The following is an entry in ClinVar:

NM_001830.4(CLCN4):c.1359C>G (p.Ile453Met)

Gene: CLCN4 (Cl-/H+ antiporter 4; plus strand). Cytogenetic location: Xp22.2.
Variant type: single nucleotide variant.
Coding change: c.1359C>G on transcript NM_001830.4 (MANE Select); coding-DNA position 1359, C replaced by G.
Protein change: p.Ile453Met; replaces isoleucine 453 with methionine.
Molecular consequence: missense variant.
Genome position (GRCh38, 1-based): chrX:10,208,560, C>G. VCF-style: chrX-10208560-C-G. GRCh37 (hg19) VCF-style: chrX-10176600-C-G.
Other names: c.1077C>G, p.Ile359Met (NM_001256944.2); c.1359C>G (NM_001830.3); short protein forms I359M, I453M.
Identifiers: ClinVar variation 4803789 (VCV004803789.2).

ClinVar aggregate classification (germline): Uncertain significance. Review status: criteria provided, multiple submitters, no conflicts (2 of 4 stars). 2 submissions from 2 submitters: Uncertain significance (2). Last evaluated 2026-02-18.

Submissions (2):

GeneDx
Classification: Uncertain significance. Last evaluated: 2026-02-18. Review status: criteria provided, single submitter. Criteria: GeneDx Variant Classification Process June 2021. Collection method: clinical testing. Allele origin: germline.
Comment: Not observed at significant frequency in large population cohorts (gnomAD); In silico analysis suggests that this missense variant does not alter protein structure/function; Has not been previously published as pathogenic or benign to our knowledge

Labcorp Genetics (formerly Invitae), Labcorp
Classification: Uncertain significance. Last evaluated: 2025-11-17. Review status: criteria provided, single submitter. Criteria: Invitae Variant Classification Sherloc (09022015). Collection method: clinical testing. Allele origin: germline.
Comment: This sequence change replaces isoleucine, which is neutral and non-polar, with methionine, which is neutral and non-polar, at codon 453 of the CLCN4 protein (p.Ile453Met). This variant is not present in population databases (gnomAD no frequency). This variant has not been reported in the literature in individuals affected with CLCN4-related conditions. Invitae Evidence Modeling of protein sequence and biophysical properties (such as structural, functional, and spatial information, amino acid conservation, physicochemical variation, residue mobility, and thermodynamic stability) indicates that this missense variant is not expected to disrupt CLCN4 protein function with a negative predictive value of 95%. In summary, the available evidence is currently insufficient to determine the role of this variant in disease. Therefore, it has been classified as a Variant of Uncertain Significance.